The following is an entry in ClinVar:

NM_177972.3(TUB):c.1116+1G>A

Genes: RIC3 (RIC3 acetylcholine receptor chaperone; minus strand), TUB (TUB bipartite transcription factor; plus strand). Cytogenetic location: 11p15.4.
Variant type: single nucleotide variant.
Coding change: c.1116+1G>A on transcript NM_177972.3 (MANE Select); the canonical splice donor site of the intron after coding-DNA position 1116, G replaced by A.
Molecular consequence: splice donor variant.
Genome position (GRCh38, 1-based): chr11:8,098,876, G>A. VCF-style: chr11-8098876-G-A. GRCh37 (hg19) VCF-style: chr11-8120423-G-A.
Other names: c.1134+1G>A (NM_001440538.1, NM_001440539.1); c.966+1G>A (NM_001440540.1, NM_001440542.1); c.1281+1G>A (NM_003320.5); c.948+1G>A (NM_001440541.1).
Identifiers: ClinVar variation 4987041 (VCV004987041.1).

ClinVar aggregate classification (germline): Likely pathogenic (1 of 4 stars; one submission).

Conditions:
TUB-related disorder. Also called: TUB-related condition.

gnomAD v4.1: 1 of 1,608,734 alleles (0.000062%); highest among the groups gnomAD compares: Admixed American, 0.0017%; no homozygotes.

Submission:

PreventionGenetics, part of Exact Sciences
Classification: Likely pathogenic for TUB-related condition. Last evaluated: 2025-10-14. Review status: criteria provided, single submitter. Criteria: ACMG Guidelines, 2015. Collection method: clinical testing. Allele origin: germline.
Comment: The TUB c.1281+1G>A variant is predicted to disrupt the GT donor site and interfere with normal splicing. This variant was reported in the homozygous state in 5 related individuals with severe myopia and intellectual disability (Hu et al 2018. PubMed ID: 29302074). This variant is reported in 0.0029% of alleles in individuals of Latino descent in gnomAD. Variants that disrupt the consensus splice donor site in TUB are expected to be pathogenic. This variant is interpreted as likely pathogenic.